The following is an entry in ClinVar:

NM_001478.5(B4GALNT1):c.93C>T (p.Pro31=)

Gene: B4GALNT1 (beta-1,4-N-acetyl-galactosaminyltransferase 1; minus strand). Cytogenetic location: 12q13.3.
Variant type: single nucleotide variant.
Coding change: c.93C>T on transcript NM_001478.5 (MANE Select); coding-DNA position 93, C replaced by T.
Protein change: p.Pro31=; no amino-acid change (proline 31 retained).
Molecular consequence: synonymous variant. On other transcripts: 5 prime UTR variant (4).
Genome position (GRCh38, 1-based): chr12:57,632,040, G>A on the plus strand (C>T on the coding strand, the complement: B4GALNT1 is on the minus strand). VCF-style: chr12-57632040-G-A. GRCh37 (hg19) VCF-style: chr12-58025823-G-A.
Other names: c.93C>T, p.Pro31= (NM_001276468.2, NM_001276469.2, NM_001413967.1 and 11 more transcripts); c.-811C>T (NM_001413981.1, NM_001413982.1, NM_001413983.1 and 1 more transcripts).
Identifiers: ClinVar variation 3257353 (VCV003257353.17).

ClinVar aggregate classification (germline): Likely benign (1 of 4 stars; one submission).

gnomAD v4.1: 20 of 1,443,502 alleles (0.0014%); highest among the groups gnomAD compares: African/African-American, 0.0044%; no homozygotes.

Submission:

CeGaT Center for Human Genetics Tuebingen
Classification: Likely benign. Last evaluated: 2024-07-01. Review status: criteria provided, single submitter. Criteria: CeGaT Center For Human Genetics Tuebingen Variant Classification Criteria Version 2. Collection method: clinical testing. Allele origin: germline. Affected: yes. Observed: 1 variant allele.
Comment: B4GALNT1: BP4, BP7